The following is an entry in ClinVar:

NM_004385.5(VCAN):c.349G>T (p.Val117Leu)

Gene: VCAN (versican; plus strand). Cytogenetic location: 5q14.2.
Variant type: single nucleotide variant.
Coding change: c.349G>T on transcript NM_004385.5 (MANE Select); coding-DNA position 349, G replaced by T.
Protein change: p.Val117Leu; replaces valine 117 with leucine.
Molecular consequence: missense variant.
Genome position (GRCh38, 1-based): chr5:83,490,376, G>T. VCF-style: chr5-83490376-G-T. GRCh37 (hg19) VCF-style: chr5-82786195-G-T.
Other names: c.349G>T, p.Val117Leu (NM_001126336.3, NM_001164097.2, NM_001164098.2); short protein forms V117L.
Identifiers: ClinVar variation 1721049 (VCV001721049.5), dbSNP rs1412790727, ClinGen allele CA360295791.

ClinVar aggregate classification (germline): Uncertain significance (1 of 4 stars; one submission).

Submission:

Labcorp Genetics (formerly Invitae), Labcorp
Classification: Uncertain significance. Last evaluated: 2022-10-05. Review status: criteria provided, single submitter. Criteria: Invitae Variant Classification Sherloc (09022015). Collection method: clinical testing. Allele origin: germline.
Comment: This sequence change replaces valine, which is neutral and non-polar, with leucine, which is neutral and non-polar, at codon 117 of the VCAN protein (p.Val117Leu). This variant is not present in population databases (gnomAD no frequency). This variant has not been reported in the literature in individuals affected with VCAN-related conditions. Algorithms developed to predict the effect of missense changes on protein structure and function output the following: SIFT: "Tolerated"; PolyPhen-2: "Benign"; Align-GVGD: "Class C0". The leucine amino acid residue is found in multiple mammalian species, which suggests that this missense change does not adversely affect protein function. In summary, the available evidence is currently insufficient to determine the role of this variant in disease. Therefore, it has been classified as a Variant of Uncertain Significance.